The following is an entry in ClinVar:

ClinVar aggregate classification (germline): Uncertain significance. Review status: criteria provided, multiple submitters, no conflicts (2 of 4 stars). 7 submissions from 6 submitters: Uncertain significance (7). Last evaluated 2026-01-20.

Conditions:
POLD1-related polyposis and colorectal cancer syndrome (CRCS10). Also called: Colorectal cancer 10; COLORECTAL CANCER, SUSCEPTIBILITY TO, ON CHROMOSOME 19q; Colorectal cancer, susceptibility to, 10. Identifiers: Orphanet 220460, MedGen C2675481, MONDO:0012953, OMIM 612591.
Mandibular hypoplasia-deafness-progeroid syndrome. Also called: Mandibular hypoplasia, deafness, progeroid features, and lipodystrophy syndrome. Identifiers: Orphanet 363649, MedGen C3715192, MONDO:0014157, OMIM 615381.
Hereditary cancer-predisposing syndrome. Also called: Neoplastic Syndromes, Hereditary; Hereditary neoplastic syndrome; Tumor predisposition; Hereditary Cancer Syndrome. Identifiers: Orphanet 140162, MedGen C0027672, MeSH D009386, MONDO:0015356.

Allele frequency attached by ClinVar (database versions not stated): gnomAD 0.00001; TOPMed 0.00001; gnomAD exomes 0.00002.
gnomAD v4.1: 14 of 1,589,546 alleles (0.00088%); highest among the groups gnomAD compares: East Asian, 0.0068%; no homozygotes.

Submissions (7):

Labcorp Genetics (formerly Invitae), Labcorp
Classification: Uncertain significance for POLD1-related polyposis and colorectal cancer syndrome. Last evaluated: 2026-01-20. Review status: criteria provided, single submitter. Criteria: Invitae Variant Classification Sherloc (09022015). Collection method: clinical testing. Allele origin: germline.
Comment: This sequence change replaces arginine, which is basic and polar, with histidine, which is basic and polar, at codon 322 of the POLD1 protein (p.Arg322His). The frequency data for this variant in the population databases is considered unreliable, as metrics indicate poor data quality at this position in the gnomAD database. This variant has not been reported in the literature in individuals affected with POLD1-related conditions. ClinVar contains an entry for this variant (Variation ID: 421222). Invitae Evidence Modeling of protein sequence and biophysical properties (such as structural, functional, and spatial information, amino acid conservation, physicochemical variation, residue mobility, and thermodynamic stability) indicates that this missense variant is expected to disrupt POLD1 protein function with a positive predictive value of 80%. In summary, the available evidence is currently insufficient to determine the role of this variant in disease. Therefore, it has been classified as a Variant of Uncertain Significance.

Ambry Genetics
Classification: Uncertain significance for Hereditary cancer-predisposing syndrome. Last evaluated: 2025-12-07. Review status: criteria provided, single submitter. Criteria: Ambry Variant Classification Scheme 2023. Collection method: clinical testing. Allele origin: germline.
Comment: The p.R322H variant (also known as c.965G>A), located in coding exon 7 of the POLD1 gene, results from a G to A substitution at nucleotide position 965. The arginine at codon 322 is replaced by histidine, an amino acid with highly similar properties. This variant was also observed in 1/3251 individuals who met eligibility criteria for hereditary breast and ovarian cancer syndrome (Lerner-Ellis J et al. J Cancer Res Clin Oncol, 2021 Mar;147:871-879). This amino acid position is well conserved in available vertebrate species. In addition, this alteration is predicted to be tolerated by in silico analysis. Since supporting evidence is limited at this time, the clinical significance of this alteration remains unclear.

GeneDx
Classification: Uncertain significance. Last evaluated: 2023-12-04. Review status: criteria provided, single submitter. Criteria: GeneDx Variant Classification Process June 2021. Collection method: clinical testing. Allele origin: germline. Affected: yes.
Comment: Not observed at significant frequency in large population cohorts (gnomAD); In silico analysis, which includes protein predictors and evolutionary conservation, supports a deleterious effect; Observed in a patient suspected of having hereditary breast and ovarian cancer syndrome testing criteria (PMID: 32885271); This variant is associated with the following publications: (PMID: 25583476, 29056344, 31186761, 32885271)

Baylor Genetics
Classification: Uncertain significance for POLD1-related polyposis and colorectal cancer syndrome. Last evaluated: 2023-10-14. Review status: criteria provided, single submitter. Criteria: ACMG Guidelines, 2015. Collection method: clinical testing. Allele origin: unknown.

Fulgent Genetics
Classification: Uncertain significance for POLD1-related polyposis and colorectal cancer syndrome; Mandibular hypoplasia-deafness-progeroid syndrome. Last evaluated: 2021-09-03. Review status: criteria provided, single submitter. Criteria: ACMG Guidelines, 2015. Collection method: clinical testing. Allele origin: unknown.

Quest Diagnostics Nichols Institute San Juan Capistrano
Classification: Uncertain significance. Last evaluated: 2019-07-24. Review status: criteria provided, single submitter. Criteria: Quest Diagnostics criteria. Collection method: clinical testing. Allele origin: germline.

Baylor Genetics
Classification: Uncertain significance for Mandibular hypoplasia-deafness-progeroid syndrome. Last evaluated: 2019-07-05. Review status: criteria provided, single submitter. Criteria: ACMG Guidelines, 2015. Collection method: clinical testing. Allele origin: unknown. Affected: yes. Study: CSER-TexasKidsCanSeq.
Comment: This variant was determined to be of uncertain significance according to ACMG Guidelines, 2015 [PMID:25741868].

Literature cited by the submitters: PubMed 32885271 (cited by Ambry Genetics); PubMed 25583476 (cited by Quest Diagnostics Nichols Institute San Juan Capistrano).

NM_002691.4(POLD1):c.965G>A (p.Arg322His)

Gene: POLD1 (DNA polymerase delta 1, catalytic subunit; plus strand). Cytogenetic location: 19q13.33.
Variant type: single nucleotide variant.
Coding change: c.965G>A on transcript NM_002691.4 (MANE Select); coding-DNA position 965, G replaced by A.
Protein change: p.Arg322His; replaces arginine 322 with histidine.
Molecular consequence: missense variant. On other transcripts: non-coding transcript variant (1).
Genome position (GRCh38, 1-based): chr19:50,402,736, G>A. VCF-style: chr19-50402736-G-A. GRCh37 (hg19) VCF-style: chr19-50905993-G-A.
Other names: c.965G>A, p.Arg322His (NM_001256849.1, NM_001308632.1); short protein forms R322H.
Identifiers: ClinVar variation 421222 (VCV000421222.26), dbSNP rs980303681, ClinGen allele CA16620885.